The following is an entry in ClinVar:

ClinVar aggregate classification (germline): Uncertain significance (1 of 4 stars; one submission).

gnomAD v4.1: 3 of 1,613,966 alleles (0.00019%); highest among the groups gnomAD compares: Non-Finnish European, 0.00025%; no homozygotes.

Submission:

Dasa
Classification: Uncertain significance. Last evaluated: 2025-04-06. Review status: criteria provided, single submitter. Criteria: DASA Assertion Criteria. Collection method: clinical testing. Allele origin: germline.
Comment: NM_001375524.1(TRRAP):c.7398C>A (p.Phe2466Leu) is a missense variant that results in the substitution of phenylalanine with leucine. This variant is rare in population databases. Computational prediction algorithms are consistent with a benign effect. The currently available literature and clinical evidence are not sufficient to establish a definitive association between this variant and the reported condition. Therefore, this variant is classified as a variant of uncertain significance.

NM_001375524.1(TRRAP):c.7398C>A (p.Phe2466Leu)

Gene: TRRAP (transformation/transcription domain associated protein; plus strand). Cytogenetic location: 7q22.1.
Variant type: single nucleotide variant.
Coding change: c.7398C>A on transcript NM_001375524.1 (MANE Select); coding-DNA position 7398, C replaced by A.
Protein change: p.Phe2466Leu; replaces phenylalanine 2466 with leucine.
Molecular consequence: missense variant.
Genome position (GRCh38, 1-based): chr7:98,967,584, C>A. VCF-style: chr7-98967584-C-A. GRCh37 (hg19) VCF-style: chr7-98565207-C-A.
Other names: c.7377C>A, p.Phe2459Leu (NM_001244580.2); c.7323C>A, p.Phe2441Leu (NM_003496.4); short protein forms F2441L, F2459L, F2466L.
Identifiers: ClinVar variation 4884994 (VCV004884994.2).